The following is an entry in ClinVar:

NM_144643.4(SCLT1):c.499G>A (p.Glu167Lys)

Gene: SCLT1 (sodium channel and clathrin linker 1; minus strand). Cytogenetic location: 4q28.2.
Variant type: single nucleotide variant.
Coding change: c.499G>A on transcript NM_144643.4 (MANE Select); coding-DNA position 499, G replaced by A.
Protein change: p.Glu167Lys; replaces glutamic acid 167 with lysine.
Molecular consequence: missense variant.
Genome position (GRCh38, 1-based): chr4:128,999,722, C>T on the plus strand (G>A on the coding strand, the complement: SCLT1 is on the minus strand). VCF-style: chr4-128999722-C-T. GRCh37 (hg19) VCF-style: chr4-129920877-C-T.
Other names: c.499G>A (NM_144643.2); short protein forms E167K.
Identifiers: ClinVar variation 1391527 (VCV001391527.7), dbSNP rs751372820, ClinGen allele CA3079921.
Genomic context (GRCh38, chr4:128,999,722, plus strand): 5'-CCAAGATTACCTTTTGTTTTTGACTTTCAAATACATGAATCTGGGCCTCAGTCATATGTT[C>T]CTGGTAAAGCTTGTGTAGTCTGTCCAACTCCTGAGAAACAGTCTGCCAGAGTTCCACAGC-3'
Protein context (NP_653244.2, residues 157-177): ELDRLHKLYQ[Glu167Lys]HMTEAQIHVF

ClinVar aggregate classification (germline): Uncertain significance. Review status: criteria provided, multiple submitters, no conflicts (2 of 4 stars). 2 submissions from 2 submitters: Uncertain significance (2). Last evaluated 2023-04-05.

Allele frequency attached by ClinVar (database versions not stated): gnomAD exomes below 0.00001 and 0.00001; ExAC 0.00001; gnomAD 0.00001; TOPMed 0.00005.
gnomAD v4.1: 7 of 1,607,562 alleles (0.00044%); highest among the groups gnomAD compares: East Asian, 0.016%; no homozygotes.

Submissions (2):

Ambry Genetics
Classification: Uncertain significance. Last evaluated: 2023-04-05. Review status: criteria provided, single submitter. Criteria: Ambry Variant Classification Scheme 2023. Collection method: clinical testing. Allele origin: germline.

Labcorp Genetics (formerly Invitae), Labcorp
Classification: Uncertain significance. Last evaluated: 2021-09-01. Review status: criteria provided, single submitter. Criteria: Invitae Variant Classification Sherloc (09022015). Collection method: clinical testing. Allele origin: germline.
Comment: Algorithms developed to predict the effect of missense changes on protein structure and function are either unavailable or do not agree on the potential impact of this missense change (SIFT: "Tolerated"; PolyPhen-2: "Possibly Damaging"; Align-GVGD: "Class C0"). In summary, the available evidence is currently insufficient to determine the role of this variant in disease. Therefore, it has been classified as a Variant of Uncertain Significance. This variant has not been reported in the literature in individuals affected with SCLT1-related conditions. This variant is present in population databases (rs751372820, ExAC 0.01%). This sequence change replaces glutamic acid with lysine at codon 167 of the SCLT1 protein (p.Glu167Lys). The glutamic acid residue is highly conserved and there is a small physicochemical difference between glutamic acid and lysine.